The following is an entry in ClinVar:

ClinVar aggregate classification (germline): Uncertain significance (1 of 4 stars; one submission).

gnomAD v4.1: 26 of 700,314 alleles (0.0037%); highest among the groups gnomAD compares: Middle Eastern, 0.036%; no homozygotes.

Submission:

Labcorp Genetics (formerly Invitae), Labcorp
Classification: Uncertain significance. Last evaluated: 2024-09-05. Review status: criteria provided, single submitter. Criteria: Invitae Variant Classification Sherloc (09022015). Collection method: clinical testing. Allele origin: germline.
Comment: This variant occurs in the RNU4ATAC gene, which encodes an RNA molecule that does not result in a protein product. This variant is present in population databases (no rsID available, gnomAD 0.02%). This variant has not been reported in the literature in individuals affected with RNU4ATAC-related conditions. ClinVar contains an entry for this variant (Variation ID: 1374197). Experimental studies and prediction algorithms are not available or were not evaluated, and the functional significance of this variant is currently unknown. In summary, the available evidence is currently insufficient to determine the role of this variant in disease. Therefore, it has been classified as a Variant of Uncertain Significance.

NC_000002.12:g.121530965T>C

Genes: CLASP1 (cytoplasmic linker associated protein 1; minus strand), CLASP1-AS1 (CLASP1 antisense RNA 1; plus strand), RNU4ATAC (RNA, U4atac small nuclear; plus strand). Cytogenetic location: 2q14.2.
Variant type: single nucleotide variant.
Molecular consequence: intron variant (on NM_001395891.1).
Genome position: GRCh38 VCF-style: chr2-121530965-T-C. GRCh37 (hg19) VCF-style: chr2-122288541-T-C.
Other names: c.196-640A>G (NM_001142274.2, NM_015282.3, NM_001378003.1 and 5 more transcripts).
Identifiers: ClinVar variation 1374197 (VCV001374197.4), dbSNP rs949525537, ClinGen allele CA54810948.